The following is an entry in ClinVar:

ClinVar aggregate classification (germline): Uncertain significance (1 of 4 stars; one submission).

Submission:

Labcorp Genetics (formerly Invitae), Labcorp
Classification: Uncertain significance. Last evaluated: 2022-08-06. Review status: criteria provided, single submitter. Criteria: Invitae Variant Classification Sherloc (09022015). Collection method: clinical testing. Allele origin: germline.
Comment: In summary, the available evidence is currently insufficient to determine the role of this variant in disease. Therefore, it has been classified as a Variant of Uncertain Significance. Experimental studies and prediction algorithms are not available or were not evaluated, and the functional significance of this variant is currently unknown. This variant has not been reported in the literature in individuals affected with SIX6-related conditions. This variant is not present in population databases (gnomAD no frequency). This sequence change results in a frameshift in the SIX6 gene (p.Leu205Tyrfs*56). While this is not anticipated to result in nonsense mediated decay, it is expected to disrupt the last 42 amino acid(s) of the SIX6 protein and extend the protein by 13 additional amino acid residues.

NM_007374.3(SIX6):c.613del (p.Leu205fs)

Genes: C14orf39 (chromosome 14 open reading frame 39; minus strand), SIX6 (SIX homeobox 6; plus strand). Cytogenetic location: 14q23.1.
Variant type: Deletion.
Coding change: c.613del on transcript NM_007374.3 (MANE Select); coding-DNA position 613, one base deleted (C; older notation c.613delC).
Protein change: p.Leu205fs; shifts the reading frame from leucine 205.
Molecular consequence: frameshift variant.
Genome position (GRCh38, 1-based): chr14:60,511,124, C deleted. VCF-style (leftmost placement, unchanged base first): chr14-60511123-AC-A. GRCh37 (hg19) VCF-style: chr14-60977841-AC-A.
Other names: short protein forms L205fs.
Identifiers: ClinVar variation 1978086 (VCV001978086.5), dbSNP rs2503609686, ClinGen allele CA2580088301.
Genomic context (GRCh38, chr14:60,511,123, plus strand): 5'-TGTTCCCTTTCTTCCCCGTAGACTCCAGCAGCAGGTCCTGTCACAGGGTTCCGGGCGGGC[AC>A]TACGGGCGGAGGGCGACGGCACGCCAGAGGTGCTGGGCGTCGCCACCAGCCCGGCCGCCA-3'